The following is an entry in ClinVar:

ClinVar aggregate classification (germline): Uncertain significance. Review status: criteria provided, multiple submitters, no conflicts (2 of 4 stars). 2 submissions from 2 submitters: Uncertain significance (2). Last evaluated 2023-12-15.

Conditions:
Inborn genetic diseases. Identifiers: MedGen C0950123, MeSH D030342.

Allele frequency attached by ClinVar (database versions not stated): gnomAD 0.00003; TOPMed 0.00003; ExAC 0.00004; ESP Exome Variant Server 0.00008.
gnomAD v4.1: 23 of 1,612,906 alleles (0.0014%); highest among the groups gnomAD compares: Non-Finnish European, 0.0019%; no homozygotes.

Submissions (2):

Ambry Genetics
Classification: Uncertain significance for Inborn genetic diseases. Last evaluated: 2023-12-15. Review status: criteria provided, single submitter. Criteria: Ambry Variant Classification Scheme 2023. Collection method: clinical testing. Allele origin: germline.

Labcorp Genetics (formerly Invitae), Labcorp
Classification: Uncertain significance. Last evaluated: 2023-10-28. Review status: criteria provided, single submitter. Criteria: Invitae Variant Classification Sherloc (09022015). Collection method: clinical testing. Allele origin: germline.
Comment: This sequence change replaces histidine, which is basic and polar, with tyrosine, which is neutral and polar, at codon 1015 of the AUTS2 protein (p.His1015Tyr). This variant is present in population databases (rs144860288, gnomAD 0.003%). This variant has not been reported in the literature in individuals affected with AUTS2-related conditions. Advanced modeling of protein sequence and biophysical properties (such as structural, functional, and spatial information, amino acid conservation, physicochemical variation, residue mobility, and thermodynamic stability) performed at Invitae indicates that this missense variant is expected to disrupt AUTS2 protein function with a positive predictive value of 80%. In summary, the available evidence is currently insufficient to determine the role of this variant in disease. Therefore, it has been classified as a Variant of Uncertain Significance.

NM_015570.4(AUTS2):c.3043C>T (p.His1015Tyr)

Gene: AUTS2 (activator of transcription and developmental regulator AUTS2; plus strand). Cytogenetic location: 7q11.22.
Variant type: single nucleotide variant.
Coding change: c.3043C>T on transcript NM_015570.4 (MANE Select); coding-DNA position 3043, C replaced by T.
Protein change: p.His1015Tyr; replaces histidine 1015 with tyrosine.
Molecular consequence: missense variant.
Genome position (GRCh38, 1-based): chr7:70,790,259, C>T. VCF-style: chr7-70790259-C-T. GRCh37 (hg19) VCF-style: chr7-70255245-C-T.
Other names: c.3043C>T (NM_015570.2); c.2971C>T, p.His991Tyr (NM_001127231.3); short protein forms H1015Y, H991Y.
Identifiers: ClinVar variation 2718186 (VCV002718186.4), dbSNP rs144860288, ClinGen allele CA4281254.
Genomic context (GRCh38, chr7:70,790,259, plus strand): 5'-GAGGCCCCGCAGACCCACCGGGCCTCGGAGCCGCCGCCTCCCAACTCCTCGTCCAGCGTG[C>T]ACCCGGGGCCCCTGGCCTCGATGCCCATGACGGTGGGGGTGACGGGCATTCACCCCATGA-3'
Protein context (NP_056385.1, residues 1005-1025): PPPPNSSSSV[His1015Tyr]PGPLASMPMT